The following is an entry in ClinVar:

NM_001005242.3(PKP2):c.1033G>A (p.Gly345Arg)

Gene: PKP2 (plakophilin 2; minus strand). Cytogenetic location: 12p11.21.
Variant type: single nucleotide variant.
Coding change: c.1033G>A on transcript NM_001005242.3 (MANE Select); coding-DNA position 1033, G replaced by A.
Protein change: p.Gly345Arg; replaces glycine 345 with arginine.
Molecular consequence: missense variant.
Genome position (GRCh38, 1-based): chr12:32,877,847, C>T on the plus strand (G>A on the coding strand, the complement: PKP2 is on the minus strand). VCF-style: chr12-32877847-C-T. GRCh37 (hg19) VCF-style: chr12-33030781-C-T.
Other names: c.1033G>A, p.Gly345Arg (NM_004572.4); short protein forms G345R.
Identifiers: ClinVar variation 662461 (VCV000662461.9), dbSNP rs1592762989, ClinGen allele CA384361561.
Genomic context (GRCh38, chr12:32,877,847, plus strand): 5'-GGCTGTGGGAACAGAATGTGCTGGCAATGACTGAACTGCAGAGTCAGGAGGGGACTTACC[C>T]CAGCTGGGAGTCAGTGAAAGTGCTTCTCTCAGTGAGCAGATTCCCACTTCCCCCTGCGGC-3'
Protein context (NP_001005242.2, residues 335-355): ERSTFTDSQL[Gly345Arg]NADMEMTLER

ClinVar aggregate classification (germline): Uncertain significance. Review status: criteria provided, multiple submitters, no conflicts (2 of 4 stars). 2 submissions from 2 submitters: Uncertain significance (2). Last evaluated 2023-10-02.

Conditions:
Cardiovascular phenotype. Identifiers: MedGen CN230736.
Arrhythmogenic right ventricular dysplasia 9 (ARVD9). Also called: Arrhythmogenic Right Ventricular Dysplasia/Cardiomyopathy 9; ARRHYTHMOGENIC RIGHT VENTRICULAR DYSPLASIA, FAMILIAL, 9. Identifiers: MedGen C1836906, MONDO:0012180, OMIM 609040.

Allele frequency attached by ClinVar (database versions not stated): gnomAD exomes below 0.00001.
gnomAD v4.1: 1 of 1,610,362 alleles (0.000062%); highest among the groups gnomAD compares: East Asian, 0.0022%; no homozygotes.

Submissions (2):

Ambry Genetics
Classification: Uncertain significance for Cardiovascular phenotype. Last evaluated: 2023-10-02. Review status: criteria provided, single submitter. Criteria: Ambry Variant Classification Scheme 2023. Collection method: clinical testing. Allele origin: germline.
Comment: The p.G345R variant (also known as c.1033G>A), located in coding exon 3 of the PKP2 gene, results from a G to A substitution at nucleotide position 1033. The glycine at codon 345 is replaced by arginine, an amino acid with dissimilar properties. This amino acid position is conserved. In addition, the in silico prediction for this alteration is inconclusive. Since supporting evidence is limited at this time, the clinical significance of this alteration remains unclear.

Labcorp Genetics (formerly Invitae), Labcorp
Classification: Uncertain significance for Arrhythmogenic right ventricular dysplasia 9. Last evaluated: 2021-02-18. Review status: criteria provided, single submitter. Criteria: Invitae Variant Classification Sherloc (09022015). Collection method: clinical testing. Allele origin: germline.
Comment: This variant has not been reported in the literature in individuals with PKP2-related disease. This variant is not present in population databases (ExAC no frequency). This sequence change replaces glycine with arginine at codon 345 of the PKP2 protein (p.Gly345Arg). The glycine residue is highly conserved and there is a moderate physicochemical difference between glycine and arginine. Algorithms developed to predict the effect of missense changes on protein structure and function output the following: SIFT: "Deleterious"; PolyPhen-2: "Benign"; Align-GVGD: "Class C65". The arginine amino acid residue is found in multiple mammalian species, suggesting that this missense change does not adversely affect protein function. These predictions have not been confirmed by published functional studies and their clinical significance is uncertain. In summary, the available evidence is currently insufficient to determine the role of this variant in disease. Therefore, it has been classified as a Variant of Uncertain Significance.